The following is an entry in ClinVar:

NM_004519.4(KCNQ3):c.1525G>A (p.Glu509Lys)

Gene: KCNQ3 (potassium voltage-gated channel subfamily Q member 3; minus strand). Cytogenetic location: 8q24.22.
Variant type: single nucleotide variant.
Coding change: c.1525G>A on transcript NM_004519.4 (MANE Select); coding-DNA position 1525, G replaced by A.
Protein change: p.Glu509Lys; replaces glutamic acid 509 with lysine.
Molecular consequence: missense variant.
Genome position (GRCh38, 1-based): chr8:132,140,119, C>T on the plus strand (G>A on the coding strand, the complement: KCNQ3 is on the minus strand). VCF-style: chr8-132140119-C-T. GRCh37 (hg19) VCF-style: chr8-133152366-C-T.
Other names: c.1165G>A, p.Glu389Lys (NM_001204824.2); short protein forms E509K, E389K.
Identifiers: ClinVar variation 570800 (VCV000570800.9), dbSNP rs774311301, ClinGen allele CA4880676.
Genomic context (GRCh38, chr8:132,140,119, plus strand): 5'-GACCGTGGGGGCATTACCTGACGGCTCGGATGGCGGCCTTCAGGGTGGGGATCATGTCTT[C>T]GATGGGGAAGTCATTCCCATAGCCCCTGTCTTCCGCCATGGGGTCACCTGTCCCGGCATC-3'
Protein context (NP_004510.1, residues 499-519): DRGYGNDFPI[Glu509Lys]DMIPTLKAAI

ClinVar aggregate classification (germline): Uncertain significance (1 of 4 stars; one submission).

Conditions:
Benign neonatal seizures. Also called: Benign familial neonatal seizures; Benign neonatal familial convulsions; Convulsions benign familial neonatal dominant form; Autosomal dominant form of benign neonatal seizures; Benign familial neonatal epilepsy. Identifiers: Orphanet 1949, MedGen C0220669, MONDO:0016027.

Allele frequency attached by ClinVar (database versions not stated): gnomAD exomes 0.00001 and below 0.00001; ExAC 0.00001.

Submission:

Labcorp Genetics (formerly Invitae), Labcorp
Classification: Uncertain significance for Benign neonatal seizures. Last evaluated: 2018-07-30. Review status: criteria provided, single submitter. Criteria: Invitae Variant Classification Sherloc (09022015). Collection method: clinical testing. Allele origin: germline.
Comment: This sequence change replaces glutamic acid with lysine at codon 509 of the KCNQ3 protein (p.Glu509Lys). The glutamic acid residue is highly conserved and there is a small physicochemical difference between glutamic acid and lysine. This variant is present in population databases (rs774311301, ExAC 0.002%). This variant has not been reported in the literature in individuals with KCNQ3-related disease. Algorithms developed to predict the effect of missense changes on protein structure and function do not agree on the potential impact of this missense change (SIFT: "Tolerated"; PolyPhen-2: "Probably Damaging"; Align-GVGD: "Class C0"). In summary, the available evidence is currently insufficient to determine the role of this variant in disease. Therefore, it has been classified as a Variant of Uncertain Significance.